The following is an entry in ClinVar:

NM_006924.5(SRSF1):c.636dup (p.Ser213Ter)

Genes: SRSF1 (serine and arginine rich splicing factor 1; minus strand), LOC126862603 (BRD4-independent group 4 enhancer GRCh37_chr17:56082218-56083417; plus strand). Cytogenetic location: 17q22.
Variant type: Duplication.
Coding change: c.636dup on transcript NM_006924.5 (MANE Select); coding-DNA position 636, one base duplicated (T; older notation c.636dupT).
Protein change: p.Ser213Ter; replaces serine 213 with a stop codon.
Molecular consequence: nonsense. On other transcripts: 3 prime UTR variant (1), non-coding transcript variant (2).
Genome position (GRCh38, 1-based): chr17:58,005,517, A duplicated on the plus strand (T on the coding strand, the reverse complement: SRSF1 is on the minus strand). VCF-style (leftmost placement, unchanged base first): chr17-58005516-T-TA. GRCh37 (hg19) VCF-style: chr17-56082877-T-TA.
Other names: c.*230dup (NM_001078166.2); short protein forms S213*.
Identifiers: ClinVar variation 4755593 (VCV004755593.1).

ClinVar aggregate classification (germline): Uncertain significance (1 of 4 stars; one submission).

Submission:

GeneDx
Classification: Uncertain significance. Last evaluated: 2025-08-04. Review status: criteria provided, single submitter. Criteria: GeneDx Variant Classification Process June 2021. Collection method: clinical testing. Allele origin: germline. Affected: yes.
Comment: Not observed at significant frequency in large population cohorts (gnomAD); Nonsense variant predicted to result in protein truncation as the last 36 amino acids are lost, although loss-of-function variants have not been reported downstream of this position in the protein; Has not been previously published as pathogenic or benign to our knowledge; Reported using an alternate transcript of the gene